The following is an entry in ClinVar:

NM_020655.4(JPH3):c.434G>A (p.Arg145Gln)

Gene: JPH3 (junctophilin 3; plus strand). Cytogenetic location: 16q24.2.
Variant type: single nucleotide variant.
Coding change: c.434G>A on transcript NM_020655.4 (MANE Select); coding-DNA position 434, G replaced by A.
Protein change: p.Arg145Gln; replaces arginine 145 with glutamine.
Molecular consequence: missense variant. On other transcripts: non-coding transcript variant (1).
Genome position (GRCh38, 1-based): chr16:87,644,309, G>A. VCF-style: chr16-87644309-G-A. GRCh37 (hg19) VCF-style: chr16-87677915-G-A.
Other names: short protein forms R145Q.
Identifiers: ClinVar variation 3063739 (VCV003063739.1), dbSNP rs1227305136, ClinGen allele CA397025920.
Genomic context (GRCh38, chr16:87,644,309, plus strand): 5'-TCTCCCCAGGGACCTACCAGGGCCAGTGGGTCGGTGGCATGCGCCAGGGCTACGGCGTCC[G>A]GCAGAGCGTCCCGTATGGCATGGCCGCGGTCATCCGCTCACCCCTGAGGACGTCCATCAA-3'
Protein context (NP_065706.2, residues 135-155): VGGMRQGYGV[Arg145Gln]QSVPYGMAAV

ClinVar aggregate classification (germline): Uncertain significance (1 of 4 stars; one submission).

Allele frequency attached by ClinVar (database versions not stated): gnomAD exomes below 0.00001; gnomAD 0.00001; TOPMed 0.00001.
gnomAD v4.1: 7 of 1,612,546 alleles (0.00043%); highest among the groups gnomAD compares: Admixed American, 0.0017%; no homozygotes.

Submission:

Women's Health and Genetics/Laboratory Corporation of America, LabCorp
Classification: Uncertain significance. Last evaluated: 2024-01-31. Review status: criteria provided, single submitter. Criteria: LabCorp Variant Classification Summary - May 2015. Collection method: clinical testing. Allele origin: germline.
Comment: Variant summary: JPH3 c.434G>A (p.Arg145Gln) results in a conservative amino acid change in the encoded protein sequence. Three of five in-silico tools predict a damaging effect of the variant on protein function. The variant was absent in 246050 control chromosomes (gnomAD). The available data on variant occurrences in the general population are insufficient to allow any conclusion about variant significance. To our knowledge, no occurrence of c.434G>A in individuals affected with Huntington Disease-Like 2 and no experimental evidence demonstrating its impact on protein function have been reported. No submitters have cited clinical-significance assessments for this variant to ClinVar. Based on the evidence outlined above, the variant was classified as uncertain significance.